The following is an entry in ClinVar:

NM_000059.4(BRCA2):c.9246G>A (p.Val3082=)

Gene: BRCA2 (BRCA2 DNA repair associated; plus strand). Cytogenetic location: 13q13.1.
Variant type: single nucleotide variant.
Coding change: c.9246G>A on transcript NM_000059.4 (MANE Select); coding-DNA position 9246, G replaced by A.
Protein change: p.Val3082=; no amino-acid change (valine 3082 retained).
Molecular consequence: synonymous variant.
Genome position (GRCh38, 1-based): chr13:32,380,135, G>A. VCF-style: chr13-32380135-G-A. GRCh37 (hg19) VCF-style: chr13-32954272-G-A.
Identifiers: ClinVar variation 510235 (VCV000510235.2), dbSNP rs1555288576, ClinGen allele CA483262142.

ClinVar aggregate classification (germline): Likely benign. Review status: criteria provided, multiple submitters, no conflicts (2 of 4 stars). 2 submissions from 2 submitters: Likely benign (2). Last evaluated 2024-10-21.

Conditions:
Hereditary cancer-predisposing syndrome. Also called: Hereditary neoplastic syndrome; Hereditary Cancer Syndrome; Neoplastic Syndromes, Hereditary; Tumor predisposition. Identifiers: Orphanet 140162, MedGen C0027672, MeSH D009386, MONDO:0015356.

Allele frequency attached by ClinVar (database versions not stated): gnomAD exomes below 0.00001; gnomAD 0.00001.
gnomAD v4.1: 5 of 1,610,690 alleles (0.00031%); no homozygotes.

Submissions (2):

Ambry Genetics
Classification: Likely benign for Hereditary cancer-predisposing syndrome. Last evaluated: 2024-10-21. Review status: criteria provided, single submitter. Criteria: Ambry Variant Classification Scheme 2023. Collection method: clinical testing. Allele origin: germline.

GeneDx
Classification: Likely benign. Last evaluated: 2017-06-15. Review status: criteria provided, single submitter. Criteria: GeneDx Variant Classification (06012015). Collection method: clinical testing. Allele origin: germline. Affected: yes.
Comment: This variant is considered likely benign or benign based on one or more of the following criteria: it is a conservative change, it occurs at a poorly conserved position in the protein, it is predicted to be benign by multiple in silico algorithms, and/or has population frequency not consistent with disease.